The following is an entry in ClinVar:

NM_000455.5(STK11):c.921-1G>C

Gene: STK11 (serine/threonine kinase 11; plus strand). Cytogenetic location: 19p13.3.
Variant type: single nucleotide variant.
Coding change: c.921-1G>C on transcript NM_000455.5 (MANE Select); the canonical splice acceptor site of the intron before coding-DNA position 921, G replaced by C.
Molecular consequence: splice acceptor variant.
Genome position (GRCh38, 1-based): chr19:1,222,984, G>C. VCF-style: chr19-1222984-G-C. GRCh37 (hg19) VCF-style: chr19-1222983-G-C.
Other names: c.921-1G>C (NM_001407255.1).
Identifiers: ClinVar variation 372524 (VCV000372524.8), dbSNP rs398123406, ClinGen allele CA16043068.

ClinVar aggregate classification (germline): Pathogenic/Likely pathogenic. Review status: criteria provided, multiple submitters, no conflicts (2 of 4 stars). 4 submissions from 4 submitters: Pathogenic (3); Likely pathogenic (1). Last evaluated 2025-09-22.

Conditions:
Hereditary cancer-predisposing syndrome. Also called: Tumor predisposition; Hereditary Cancer Syndrome; Hereditary neoplastic syndrome; Neoplastic Syndromes, Hereditary. Identifiers: Orphanet 140162, MedGen C0027672, MeSH D009386, MONDO:0015356.
Peutz-Jeghers syndrome (PJS). Also called: Peutz-Jeghers polyposis; Periorificial lentiginosis syndrome; POLYPOSIS, HAMARTOMATOUS INTESTINAL; POLYPS-AND-SPOTS SYNDROME. Identifiers: Orphanet 2869, MedGen C0031269, MeSH D010580, MONDO:0008280, OMIM 175200.

Submissions (4):

Labcorp Genetics (formerly Invitae), Labcorp
Classification: Pathogenic for Peutz-Jeghers syndrome. Last evaluated: 2025-09-22. Review status: criteria provided, single submitter. Criteria: Invitae Variant Classification Sherloc (09022015). Collection method: clinical testing. Allele origin: germline.
Comment: This sequence change affects an acceptor splice site in intron 7 of the STK11 gene. It is expected to disrupt RNA splicing. Variants that disrupt the donor or acceptor splice site typically lead to a loss of protein function (PMID: 16199547), and loss-of-function variants in STK11 are known to be pathogenic (PMID: 15188174, 16287113). This variant is not present in population databases (gnomAD no frequency). Disruption of this splice site has been observed in individual(s) with Peutz-Jeghers syndrome (PMID: 30334930). In at least one individual the variant was observed to be de novo. ClinVar contains an entry for this variant (Variation ID: 372524). Algorithms developed to predict the effect of sequence changes on RNA splicing suggest that this variant may disrupt the consensus splice site. For these reasons, this variant has been classified as Pathogenic.

Ambry Genetics
Classification: Pathogenic for Hereditary cancer-predisposing syndrome. Last evaluated: 2025-01-08. Review status: criteria provided, single submitter. Criteria: Ambry Variant Classification Scheme 2023. Collection method: clinical testing. Allele origin: germline.
Comment: The c.921-1G>C intronic pathogenic mutation results from a G to C substitution one nucleotide upstream from coding exon 8 of the STK11 gene. This variant was reported in individual(s) with features consistent with Peutz-Jeghers syndrome; in at least one individual, it was determined to be de novo (Ylikorkala A et al. Hum Mol Genet, 1999 Jan;8:45-51; Zhao HM et al. J Pediatr Gastroenterol Nutr, 2019 Feb;68:199-206). Alterations that disrupt the canonical splice site are expected to cause aberrant splicing, resulting in an abnormal protein or a transcript that is subject to nonsense-mediated mRNA decay. Based on the supporting evidence, this variant is interpreted as a disease-causing mutation.

Genome-Nilou Lab
Classification: Likely pathogenic for Peutz-Jeghers syndrome. Last evaluated: 2021-07-15. Review status: criteria provided, single submitter. Criteria: ACMG Guidelines, 2015. Collection method: clinical testing. Allele origin: germline. Affected: no.

GeneDx
Classification: Pathogenic. Last evaluated: 2015-06-19. Review status: criteria provided, single submitter. Criteria: GeneDx Variant Classification (06012015). Collection method: clinical testing. Allele origin: germline. Affected: yes.
Comment: The c.921-1 G>C splice site variant in the STK11 gene has been previously reported in association with Peutz-Jeghers syndrome (Ylikorkala et al., (1999). This variant destroys the canonical splice acceptor site in intron 7, and is expected to cause abnormal gene splicing. Therefore, we interpret this variant as pathogenic.

Literature cited by the submitters: PubMed 16199547 (cited by Labcorp Genetics (formerly Invitae), Labcorp); PubMed 15188174 (cited by Labcorp Genetics (formerly Invitae), Labcorp); PubMed 16287113 (cited by Labcorp Genetics (formerly Invitae), Labcorp); PubMed 30334930 (cited by Labcorp Genetics (formerly Invitae), Labcorp and Ambry Genetics); PubMed 9887330 (cited by Ambry Genetics).